The following is an entry in ClinVar:

NM_014634.4(PPM1F):c.483C>T (p.Ala161=)

Gene: PPM1F (protein phosphatase, Mg2+/Mn2+ dependent 1F; minus strand). Cytogenetic location: 22q11.22.
Variant type: single nucleotide variant.
Coding change: c.483C>T on transcript NM_014634.4 (MANE Select); coding-DNA position 483, C replaced by T.
Protein change: p.Ala161=; no amino-acid change (alanine 161 retained).
Molecular consequence: synonymous variant. On other transcripts: 5 prime UTR variant (1).
Genome position (GRCh38, 1-based): chr22:21,934,099, G>A on the plus strand (C>T on the coding strand, the complement: PPM1F is on the minus strand). VCF-style: chr22-21934099-G-A. GRCh37 (hg19) VCF-style: chr22-22288471-G-A.
Other names: c.483C>T (NM_014634.3); c.-22C>T (NM_001410836.1).
Identifiers: ClinVar variation 2764991 (VCV002764991.4), dbSNP rs140881529, ClinGen allele CA10125115.
Genomic context (GRCh38, chr22:21,934,099, plus strand): 5'-CTGGTTGAAGGAAGGGAGGGACACGTGCCGGTCCTCCATCTTGCGGCGAGTGTTCCGGAT[G>A]GCGTGGATGGAGACCAGCCACTGCCGCTGTGAGGCCCGGGCAGCCAATGGCACCTGCTTC-3'
Protein context (NP_055449.1, residues 151-171): SQRQWLVSIH[Ala161=]IRNTRRKMED

ClinVar aggregate classification (germline): Benign/Likely benign. Review status: criteria provided, multiple submitters, no conflicts (2 of 4 stars). 2 submissions from 2 submitters: Benign (1); Likely benign (1). Last evaluated 2026-04-30.

Conditions:
PPM1F-related condition.

Allele frequency attached by ClinVar (database versions not stated): gnomAD exomes 0.00013; ExAC 0.00104; ESP Exome Variant Server 0.00108; gnomAD 0.00133; TOPMed 0.00140; 1000 Genomes Project 30x 0.00141; 1000 Genomes Project 0.00160.
gnomAD v4.1: 403 of 1,563,602 alleles (0.026%); highest among the groups gnomAD compares: African/African-American, 0.34%; no homozygotes.

Submissions (2):

PreventionGenetics, part of Exact Sciences
Classification: Likely benign for PPM1F-related condition. Last evaluated: 2026-04-30. Review status: criteria provided, single submitter. Criteria: ACMG Guidelines, 2015. Collection method: clinical testing. Allele origin: germline.
Comment: This variant is classified as likely benign based on ACMG/AMP sequence variant interpretation guidelines (Richards et al. 2015 PMID: 25741868, with internal and published modifications).

Labcorp Genetics (formerly Invitae), Labcorp
Classification: Benign. Last evaluated: 2025-12-30. Review status: criteria provided, single submitter. Criteria: Invitae Variant Classification Sherloc (09022015). Collection method: clinical testing. Allele origin: germline.